The following is an entry in ClinVar:

ClinVar aggregate classification (germline): Uncertain significance (1 of 4 stars; one submission).

Conditions:
Oculopharyngeal muscular dystrophy 2 (OPMD2). Identifiers: MedGen C5830682, MONDO:0958195, OMIM 620460.

Submission:

3billion
Classification: Uncertain significance for Oculopharyngeal muscular dystrophy 2. Last evaluated: 2025-01-08. Review status: criteria provided, single submitter. Criteria: ACMG Guidelines, 2015. Collection method: clinical testing. Allele origin: germline. Affected: yes.
Comment: The variant is not observed in the gnomAD v4.1.0 dataset. Predicted Consequence/Location: Frameshift: predicted to result in a loss or disruption of normal protein function through protein truncation. The predicted truncated protein may be shortened by less than 10%. Therefore, this variant is classified as VUS according to the recommendation of ACMG/AMP guideline.

NM_002137.4(HNRNPA2B1):c.1019del (p.Arg340fs)

Gene: HNRNPA2B1 (heterogeneous nuclear ribonucleoprotein A2/B1; minus strand). Cytogenetic location: 7p15.2.
Variant type: Deletion.
Coding change: c.1019del on transcript NM_002137.4 (MANE Select); coding-DNA position 1019, one base deleted (G; older notation c.1019delG).
Protein change: p.Arg340fs; shifts the reading frame from arginine 340.
Molecular consequence: frameshift variant.
Genome position (GRCh38, 1-based): chr7:26,192,523, C deleted on the plus strand (G on the coding strand, the reverse complement: HNRNPA2B1 is on the minus strand). VCF-style (leftmost placement, unchanged base first): chr7-26192522-TC-T. GRCh37 (hg19) VCF-style: chr7-26232142-TC-T.
Other names: c.1019del, p.Arg340fs (NM_001438063.1, NM_001438571.1, NM_001438572.1); c.1055del, p.Arg352fs (NM_001438568.1, NM_001438569.1, NM_001438570.1 and 1 more transcripts); c.935del, p.Arg312fs (NM_001438573.1, NM_001438574.1); c.899del, p.Arg300fs (NM_001438575.1, NM_001438576.1, NM_001438577.1 and 1 more transcripts); short protein forms R300fs, R312fs, R340fs, R352fs.
Identifiers: ClinVar variation 4292513 (VCV004292513.1).